The following is an entry in ClinVar:

NM_000179.3(MSH6):c.1323_1324insCAAA (p.Ile442fs)

Gene: MSH6 (mutS homolog 6; plus strand). Cytogenetic location: 2p16.3.
Variant type: Insertion.
Coding change: c.1323_1324insCAAA on transcript NM_000179.3 (MANE Select); coding-DNA positions 1323 to 1324, CAAA inserted.
Protein change: p.Ile442fs; shifts the reading frame from isoleucine 442.
Molecular consequence: frameshift variant.
Genome position: GRCh38 VCF-style: chr2-47799306-T-TCAAA. GRCh37 (hg19) VCF-style: chr2-48026445-T-TCAAA.
Other names: c.933_934insCAAA, p.Ile312fs (NM_001281492.2); c.417_418insCAAA, p.Ile140fs (NM_001281493.2, NM_001281494.2); short protein forms I140fs, I312fs, I442fs.
Identifiers: ClinVar variation 570177 (VCV000570177.7), dbSNP rs1558661368, ClinGen allele CA891842827.

ClinVar aggregate classification (germline): Pathogenic (1 of 4 stars; one submission).

Conditions:
Hereditary nonpolyposis colorectal neoplasms. Identifiers: MedGen C0009405, MeSH D003123.

Submission:

Labcorp Genetics (formerly Invitae), Labcorp
Classification: Pathogenic for Hereditary nonpolyposis colorectal neoplasms. Last evaluated: 2024-05-25. Review status: criteria provided, single submitter. Criteria: Invitae Variant Classification Sherloc (09022015). Collection method: clinical testing. Allele origin: germline.
Comment: This sequence change creates a premature translational stop signal (p.Ile442Glnfs*6) in the MSH6 gene. It is expected to result in an absent or disrupted protein product. Loss-of-function variants in MSH6 are known to be pathogenic (PMID: 18269114, 24362816). This variant is not present in population databases (gnomAD no frequency). This variant has not been reported in the literature in individuals affected with MSH6-related conditions. ClinVar contains an entry for this variant (Variation ID: 570177). For these reasons, this variant has been classified as Pathogenic.

Literature cited by the submitters: PubMed 18269114; PubMed 24362816.